The following is an entry in ClinVar:

ClinVar aggregate classification (germline): Uncertain significance (1 of 4 stars; one submission).

Conditions:
Familial hemophagocytic lymphohistiocytosis 3 (FHL3). Also called: UNC13D-Related Familial Hemophagocytic Lymphohistiocytosis (UNC13D-fHLH). Identifiers: Orphanet 540, MedGen C1837174, MONDO:0012146, OMIM 608898.

Allele frequency attached by ClinVar (database versions not stated): gnomAD 0.00001; gnomAD exomes 0.00001; TOPMed 0.00002.
gnomAD v4.1: 14 of 1,613,780 alleles (0.00087%); highest among the groups gnomAD compares: Non-Finnish European, 0.0011%; no homozygotes.

Submission:

Labcorp Genetics (formerly Invitae), Labcorp
Classification: Uncertain significance for Familial hemophagocytic lymphohistiocytosis 3. Last evaluated: 2021-08-14. Review status: criteria provided, single submitter. Criteria: Invitae Variant Classification Sherloc (09022015). Collection method: clinical testing. Allele origin: germline.
Comment: This sequence change replaces proline with arginine at codon 449 of the UNC13D protein (p.Pro449Arg). The proline residue is moderately conserved and there is a moderate physicochemical difference between proline and arginine. This variant is not present in population databases (ExAC no frequency). This variant has not been reported in the literature in individuals affected with UNC13D-related conditions. Algorithms developed to predict the effect of missense changes on protein structure and function are either unavailable or do not agree on the potential impact of this missense change (SIFT: "Not Available"; PolyPhen-2: "Benign"; Align-GVGD: "Not Available"). In summary, the available evidence is currently insufficient to determine the role of this variant in disease. Therefore, it has been classified as a Variant of Uncertain Significance.

NM_199242.3(UNC13D):c.1346C>G (p.Pro449Arg)

Gene: UNC13D (unc-13 homolog D; minus strand). Cytogenetic location: 17q25.1.
Variant type: single nucleotide variant.
Coding change: c.1346C>G on transcript NM_199242.3 (MANE Select); coding-DNA position 1346, C replaced by G.
Protein change: p.Pro449Arg; replaces proline 449 with arginine.
Molecular consequence: missense variant.
Genome position (GRCh38, 1-based): chr17:75,836,382, G>C on the plus strand (C>G on the coding strand, the complement: UNC13D is on the minus strand). VCF-style: chr17-75836382-G-C. GRCh37 (hg19) VCF-style: chr17-73832463-G-C.
Other names: short protein forms P449R.
Identifiers: ClinVar variation 1358716 (VCV001358716.5), dbSNP rs1051792709, ClinGen allele CA294087082.
Genomic context (GRCh38, chr17:75,836,382, plus strand): 5'-CAGCGCGAGTACCATACCTGCAGGGCCTCAGTCACCAGCTGGGGCAATGGGGCGGTGTTG[G>C]GGCACAGTTCTCCAAAGGCCTTCATCTTGCACATCTGTACCAGGACCCTGCAAGATGGAA-3'
Protein context (NP_954712.1, residues 439-459): CKMKAFGELC[Pro449Arg]NTAPLPQLVT